The following is an entry in ClinVar:

GRCh38/hg38 17q21.31(chr17:45629520-46111134)x1

Genes: CRHR1 (corticotropin releasing hormone receptor 1), KANSL1 (KAT8 regulatory NSL complex subunit 1), LINC02210 (long intergenic non-protein coding RNA 2210), LINC02210-CRHR1 (LINC02210-CRHR1 readthrough), MAPT (microtubule associated protein tau) and 6 more. Cytogenetic location: 17q21.31.
Variant type: copy number loss.
Change: copy number 1 (one copy instead of two) of chr17:45,629,520-46,111,134 (481.6 kb, GRCh38 coordinates, 1-based), cytogenetic band 17q21.31.
Identifiers: ClinVar variation 161014 (VCV000161014.1).

ClinVar aggregate classification (germline): Pathogenic (1 of 4 stars; one submission).

Submission:

ISCA site 4
Classification: Pathogenic. Last evaluated: 2011-08-12. Review status: criteria provided, single submitter. Criteria: Kaminsky et al. (Genet Med. 2011). Collection method: clinical testing. Allele origin: unknown. Affected: yes. Observed: 1 variant allele.
Comment: Copy number variation identified through the course of routine clinical cytogenomic testing in postnatal populations. Clinical assertions have been curated as described in Kaminsky et al. 2011.